The following is an entry in ClinVar:

NM_003718.5(CDK13):c.325C>T (p.Pro109Ser)

Genes: CDK13 (cyclin dependent kinase 13; plus strand), LOC129998292 (ATAC-STARR-seq lymphoblastoid silent region 18115; plus strand). Cytogenetic location: 7p14.1.
Variant type: single nucleotide variant.
Coding change: c.325C>T on transcript NM_003718.5 (MANE Select); coding-DNA position 325, C replaced by T.
Protein change: p.Pro109Ser; replaces proline 109 with serine.
Molecular consequence: missense variant.
Genome position (GRCh38, 1-based): chr7:39,950,966, C>T. VCF-style: chr7-39950966-C-T. GRCh37 (hg19) VCF-style: chr7-39990565-C-T.
Other names: c.325C>T (NM_003718.4); c.325C>T, p.Pro109Ser (NM_031267.4); short protein forms P109S.
Identifiers: ClinVar variation 2505174 (VCV002505174.4), dbSNP rs1787149678, ClinGen allele CA367309338.

ClinVar aggregate classification (germline): Uncertain significance. Review status: criteria provided, multiple submitters, no conflicts (2 of 4 stars). 3 submissions from 3 submitters: Uncertain significance (3). Last evaluated 2026-08-13.

Conditions:
Inborn genetic diseases. Identifiers: MedGen C0950123, MeSH D030342.

Allele frequency attached by ClinVar (database versions not stated): TOPMed below 0.00001; gnomAD exomes 0.00001.
gnomAD v4.1: 7 of 1,314,422 alleles (0.00053%); highest among the groups gnomAD compares: East Asian, 0.0031%; no homozygotes.

Submissions (3):

Ambry Genetics
Classification: Uncertain significance for Inborn genetic diseases. Last evaluated: 2026-08-13. Review status: criteria provided, single submitter. Criteria: Ambry Variant Classification Scheme 2023. Collection method: clinical testing. Allele origin: germline.

Labcorp Genetics (formerly Invitae), Labcorp
Classification: Uncertain significance. Last evaluated: 2024-07-30. Review status: criteria provided, single submitter. Criteria: Invitae Variant Classification Sherloc (09022015). Collection method: clinical testing. Allele origin: germline.
Comment: This sequence change replaces proline, which is neutral and non-polar, with serine, which is neutral and polar, at codon 109 of the CDK13 protein (p.Pro109Ser). This variant is not present in population databases (gnomAD no frequency). This variant has not been reported in the literature in individuals affected with CDK13-related conditions. ClinVar contains an entry for this variant (Variation ID: 2505174). Advanced modeling of protein sequence and biophysical properties (such as structural, functional, and spatial information, amino acid conservation, physicochemical variation, residue mobility, and thermodynamic stability) performed at Invitae indicates that this missense variant is not expected to disrupt CDK13 protein function with a negative predictive value of 95%. In summary, the available evidence is currently insufficient to determine the role of this variant in disease. Therefore, it has been classified as a Variant of Uncertain Significance.

Greenwood Genetic Center Diagnostic Laboratories, Greenwood Genetic Center
Classification: Uncertain significance. Last evaluated: 2023-01-09. Review status: criteria provided, single submitter. Criteria: ACMG Guidelines, 2015. Collection method: clinical testing. Allele origin: germline. Affected: yes.
Comment: PM2